The following is an entry in ClinVar:

NM_000057.4(BLM):c.1460T>C (p.Phe487Ser)

Gene: BLM (BLM RecQ like helicase; plus strand). Cytogenetic location: 15q26.1.
Variant type: single nucleotide variant.
Coding change: c.1460T>C on transcript NM_000057.4 (MANE Select); coding-DNA position 1460, T replaced by C.
Protein change: p.Phe487Ser; replaces phenylalanine 487 with serine.
Molecular consequence: missense variant.
Genome position (GRCh38, 1-based): chr15:90,760,833, T>C. VCF-style: chr15-90760833-T-C. GRCh37 (hg19) VCF-style: chr15-91304063-T-C.
Other names: c.1460T>C, p.Phe487Ser (NM_001287246.2, NM_001287247.2); c.335T>C, p.Phe112Ser (NM_001287248.2); c.1460T>C (NM_000057.2); short protein forms F112S, F487S.
Identifiers: ClinVar variation 1057604 (VCV001057604.7), dbSNP rs992038495, ClinGen allele CA274738197.

ClinVar aggregate classification (germline): Uncertain significance. Review status: criteria provided, multiple submitters, no conflicts (2 of 4 stars). 2 submissions from 2 submitters: Uncertain significance (2). Last evaluated 2026-03-12.

Conditions:
Hereditary cancer-predisposing syndrome. Also called: Hereditary Cancer Syndrome; Neoplastic Syndromes, Hereditary; Tumor predisposition; Hereditary neoplastic syndrome. Identifiers: Orphanet 140162, MedGen C0027672, MeSH D009386, MONDO:0015356.
Bloom syndrome (BLM). Also called: Bloom-Torre-Machacek syndrome. Identifiers: Orphanet 125, MedGen C0005859, MONDO:0008876, OMIM 210900.

Submissions (2):

Ambry Genetics
Classification: Uncertain significance for Hereditary cancer-predisposing syndrome. Last evaluated: 2026-03-12. Review status: criteria provided, single submitter. Criteria: Ambry Variant Classification Scheme 2023. Collection method: clinical testing. Allele origin: germline.
Comment: The p.F487S variant (also known as c.1460T>C), located in coding exon 6 of the BLM gene, results from a T to C substitution at nucleotide position 1460. The phenylalanine at codon 487 is replaced by serine, an amino acid with highly dissimilar properties. This amino acid position is conserved. In addition, this alteration is predicted to be tolerated by in silico analysis. Based on the available evidence, the clinical significance of this variant remains unclear.

Labcorp Genetics (formerly Invitae), Labcorp
Classification: Uncertain significance for Bloom syndrome. Last evaluated: 2021-08-24. Review status: criteria provided, single submitter. Criteria: Invitae Variant Classification Sherloc (09022015). Collection method: clinical testing. Allele origin: germline.
Comment: This sequence change replaces phenylalanine with serine at codon 487 of the BLM protein (p.Phe487Ser). The phenylalanine residue is weakly conserved and there is a large physicochemical difference between phenylalanine and serine. This variant is not present in population databases (ExAC no frequency). This variant has not been reported in the literature in individuals affected with BLM-related conditions. Algorithms developed to predict the effect of missense changes on protein structure and function output the following: SIFT: "Tolerated"; PolyPhen-2: "Benign"; Align-GVGD: "Class C0". The serine amino acid residue is found in multiple mammalian species, which suggests that this missense change does not adversely affect protein function. In summary, the available evidence is currently insufficient to determine the role of this variant in disease. Therefore, it has been classified as a Variant of Uncertain Significance.